The following is an entry in ClinVar:

NM_000152.5(GAA):c.2140C>T (p.His714Tyr)

Gene: GAA (alpha glucosidase; plus strand). Cytogenetic location: 17q25.3.
Variant type: single nucleotide variant.
Coding change: c.2140C>T on transcript NM_000152.5 (MANE Select); coding-DNA position 2140, C replaced by T.
Protein change: p.His714Tyr; replaces histidine 714 with tyrosine.
Molecular consequence: missense variant.
Genome position (GRCh38, 1-based): chr17:80,113,317, C>T. VCF-style: chr17-80113317-C-T. GRCh37 (hg19) VCF-style: chr17-78087116-C-T.
Other names: c.2140C>T (LRG_673t1); c.2140C>T, p.His714Tyr (NM_001079803.3, NM_001079804.3); short protein forms H714Y.
Identifiers: ClinVar variation 568433 (VCV000568433.12), dbSNP rs1332887976, ClinGen allele CA401370571.

ClinVar aggregate classification (germline): Uncertain significance. Review status: criteria provided, single submitter (1 of 4 stars). 2 submissions from 2 submitters: Uncertain significance (1). 1 of the submissions does not count toward it. Last evaluated 2020-02-12.

Conditions:
Glycogen storage disease, type II (IOPD). Also called: CARDIOMEGALIA GLYCOGENICA DIFFUSA; GLYCOGENOSIS, GENERALIZED, CARDIAC FORM; GSD II; Glycogen storage disease type 2; Acid maltase deficiency disease; Aglucosidase alfa. Identifiers: Orphanet 365, MedGen C0017921, MONDO:0009290, OMIM 232300.

Allele frequency attached by ClinVar (database versions not stated): gnomAD exomes below 0.00001.

Submissions (2):

Labcorp Genetics (formerly Invitae), Labcorp
Classification: Uncertain significance for Glycogen storage disease, type II. Last evaluated: 2020-02-12. Review status: criteria provided, single submitter. Criteria: Invitae Variant Classification Sherloc (09022015). Collection method: clinical testing. Allele origin: germline.
Comment: This variant is not present in population databases (ExAC no frequency). This sequence change replaces histidine with tyrosine at codon 714 of the GAA protein (p.His714Tyr). The histidine residue is highly conserved and there is a moderate physicochemical difference between histidine and tyrosine. This variant has not been reported in the literature in individuals with GAA-related disease. Algorithms developed to predict the effect of missense changes on protein structure and function do not agree on the potential impact of this missense change (SIFT: "Deleterious"; PolyPhen-2: "Benign"; Align-GVGD: "Class C65"). In summary, the available evidence is currently insufficient to determine the role of this variant in disease. Therefore, it has been classified as a Variant of Uncertain Significance.

Natera, Inc.
Classification: Uncertain significance for Glycogen storage disease type II. Last evaluated: 2021-08-25. Review status: no assertion criteria provided. Collection method: clinical testing. Allele origin: germline. Not counted in ClinVar's aggregate classification.